The following is an entry in ClinVar:

NC_000009.12:g.35658033A>G

Gene: RMRP (RNA component of mitochondrial RNA processing endoribonuclease; minus strand). Cytogenetic location: 9p13.3.
Variant type: single nucleotide variant.
Genome position: GRCh38 VCF-style: chr9-35658033-A-G. GRCh37 (hg19) VCF-style: chr9-35658030-A-G.
Identifiers: ClinVar variation 657208 (VCV000657208.6), dbSNP rs765292137, ClinGen allele CA192745769.

ClinVar aggregate classification (germline): Uncertain significance. Review status: criteria provided, single submitter (1 of 4 stars). 2 submissions from 2 submitters: Uncertain significance (1). 1 of the submissions does not count toward it. Last evaluated 2022-08-31.

Conditions:
Metaphyseal chondrodysplasia, McKusick type (CHH). Also called: Cartilage-Hair Hypoplasia (CHH); Cartilage-hair hypoplasia. Identifiers: Orphanet 175, MedGen C0220748, MONDO:0009595, OMIM 250250.
Anauxetic dysplasia. Identifiers: Orphanet 93347, MedGen C1846796, MONDO:0011773.

Allele frequency attached by ClinVar (database versions not stated): TOPMed 0.00011.

Submissions (2):

Labcorp Genetics (formerly Invitae), Labcorp
Classification: Uncertain significance for Anauxetic dysplasia. Last evaluated: 2022-08-31. Review status: criteria provided, single submitter. Criteria: Invitae Variant Classification Sherloc (09022015). Collection method: clinical testing. Allele origin: germline.
Comment: This variant occurs in the RMRP gene, which encodes an RNA molecule that does not result in a protein product. This variant is present in population databases (rs765292137, gnomAD 0.04%). This variant has not been reported in the literature in individuals affected with RMRP-related conditions. ClinVar contains an entry for this variant (Variation ID: 657208). Experimental studies and prediction algorithms are not available or were not evaluated, and the functional significance of this variant is currently unknown. In summary, the available evidence is currently insufficient to determine the role of this variant in disease. Therefore, it has been classified as a Variant of Uncertain Significance.

Natera, Inc.
Classification: Uncertain significance for Cartilage-hair hypoplasia. Last evaluated: 2020-09-16. Review status: no assertion criteria provided. Collection method: clinical testing. Allele origin: germline. Not counted in ClinVar's aggregate classification.